The following is an entry in ClinVar:

NM_001374675.1(HSF4):c.1475C>T (p.Pro492Leu)

Gene: HSF4 (heat shock transcription factor 4; plus strand). Cytogenetic location: 16q22.1.
Variant type: single nucleotide variant.
Coding change: c.1475C>T on transcript NM_001374675.1 (MANE Select); coding-DNA position 1475, C replaced by T.
Protein change: p.Pro492Leu; replaces proline 492 with leucine.
Molecular consequence: missense variant.
Genome position (GRCh38, 1-based): chr16:67,169,781, C>T. VCF-style: chr16-67169781-C-T. GRCh37 (hg19) VCF-style: chr16-67203684-C-T.
Other names: c.1475C>T, p.Pro492Leu (NM_001040667.3); c.1385C>T, p.Pro462Leu (NM_001374674.1, NM_001538.4); short protein forms P492L, P462L.
Identifiers: ClinVar variation 2718138 (VCV002718138.3), dbSNP rs182365484, ClinGen allele CA8102202.

ClinVar aggregate classification (germline): Uncertain significance (1 of 4 stars; one submission).

Conditions:
Cataract 5 multiple types (CTRCT5). Also called: CATARACT 5, LAMELLAR; Lamellar cataract; CATARACT, MARNER TYPE. Identifiers: Orphanet 91492, MedGen C0266537, MONDO:0007290, OMIM 116800, HP:0007971.

Allele frequency attached by ClinVar (database versions not stated): ESP Exome Variant Server 0.00008; 1000 Genomes Project 30x 0.00047; 1000 Genomes Project 0.00060.
gnomAD v4.1: 124 of 1,613,126 alleles (0.0077%); highest among the groups gnomAD compares: East Asian, 0.11%; no homozygotes.

Submission:

Labcorp Genetics (formerly Invitae), Labcorp
Classification: Uncertain significance for Cataract 5 multiple types. Last evaluated: 2024-01-05. Review status: criteria provided, single submitter. Criteria: Invitae Variant Classification Sherloc (09022015). Collection method: clinical testing. Allele origin: germline.
Comment: This sequence change replaces proline, which is neutral and non-polar, with leucine, which is neutral and non-polar, at codon 462 of the HSF4 protein (p.Pro462Leu). This variant is present in population databases (rs182365484, gnomAD 0.1%). This missense change has been observed in individual(s) with congenital cataracts (PMID: 30078984). An algorithm developed to predict the effect of missense changes on protein structure and function (PolyPhen-2) suggests that this variant is likely to be disruptive. In summary, the available evidence is currently insufficient to determine the role of this variant in disease. Therefore, it has been classified as a Variant of Uncertain Significance.

Literature cited by the submitters: PubMed 30078984.